The following is an entry in ClinVar:

ClinVar aggregate classification (germline): Uncertain significance (1 of 4 stars; one submission).

Submission:

Ambry Genetics
Classification: Uncertain significance. Last evaluated: 2025-03-11. Review status: criteria provided, single submitter. Criteria: Ambry Variant Classification Scheme 2023. Collection method: clinical testing. Allele origin: germline.
Comment: The p.H360Y variant (also known as c.1078C>T), located in coding exon 6 of the GALNT12 gene, results from a C to T substitution at nucleotide position 1078. The histidine at codon 360 is replaced by tyrosine, an amino acid with similar properties. This amino acid position is conserved. In addition, this alteration is predicted to be deleterious by in silico analysis. Since supporting evidence is limited at this time, the clinical significance of this alteration remains unclear.

NM_024642.5(GALNT12):c.1078C>T (p.His360Tyr)

Gene: GALNT12 (polypeptide N-acetylgalactosaminyltransferase 12; plus strand). Cytogenetic location: 9q22.33.
Variant type: single nucleotide variant.
Coding change: c.1078C>T on transcript NM_024642.5 (MANE Select); coding-DNA position 1078, C replaced by T.
Protein change: p.His360Tyr; replaces histidine 360 with tyrosine.
Molecular consequence: missense variant.
Genome position (GRCh38, 1-based): chr9:98,837,014, C>T. VCF-style: chr9-98837014-C-T. GRCh37 (hg19) VCF-style: chr9-101599296-C-T.
Other names: short protein forms H360Y.
Identifiers: ClinVar variation 2451772 (VCV002451772.3), dbSNP rs2490532768, ClinGen allele CA374219742.